The following is an entry in ClinVar:

NM_001009944.3(PKD1):c.9885C>T (p.Asn3295=)

Gene: PKD1 (polycystin 1, transient receptor potential channel interacting; minus strand). Cytogenetic location: 16p13.3.
Variant type: single nucleotide variant.
Coding change: c.9885C>T on transcript NM_001009944.3 (MANE Select); coding-DNA position 9885, C replaced by T.
Protein change: p.Asn3295=; no amino-acid change (asparagine 3295 retained).
Molecular consequence: synonymous variant.
Genome position (GRCh38, 1-based): chr16:2,099,899, G>A on the plus strand (C>T on the coding strand, the complement: PKD1 is on the minus strand). VCF-style: chr16-2099899-G-A. GRCh37 (hg19) VCF-style: chr16-2149900-G-A.
Other names: c.9885C>T, p.Asn3295= (NM_000296.4); c.9885C>T (NM_001009944.2).
Identifiers: ClinVar variation 997226 (VCV000997226.3), dbSNP rs764028566, ClinGen allele CA7829899.

ClinVar aggregate classification (germline): Conflicting classifications of pathogenicity. Review status: criteria provided, conflicting classifications (1 of 4 stars). 3 submissions from 3 submitters: Uncertain significance (1); Likely benign (1). 1 of the submissions does not count toward it. Last evaluated 2026-01-29.

Conditions:
Polycystic kidney disease, adult type (PKD1). Also called: Polycystic Kidney, Autosomal Dominant; Polycystic Kidney Disease 1, Autosomal Dominant; Polycystic kidney disease 1; Polycystic kidney disease 1, severe; POLYCYSTIC KIDNEY DISEASE 1 WITH OR WITHOUT POLYCYSTIC LIVER DISEASE; POLYCYSTIC KIDNEY DISEASE, ADULT, TYPE I. Identifiers: MedGen C3149841, MONDO:0008263, OMIM 173900.
PKD1-related disorder. Also called: PKD1-related condition.
Polycystic kidney disease. Also called: Kidney, Polycystic; Polycystic kidney dysplasia. Identifiers: MedGen C0022680, MeSH D007690, MONDO:0020642, HP:0000113.

Allele frequency attached by ClinVar (database versions not stated): ExAC below 0.00001; gnomAD 0.00001; gnomAD exomes 0.00001 and 0.00002; TOPMed 0.00001.
gnomAD v4.1: 34 of 1,567,170 alleles (0.0022%); highest among the groups gnomAD compares: East Asian, 0.0071%; no homozygotes.

Submissions (3):

PreventionGenetics, part of Exact Sciences
Classification: Likely benign for PKD1-related condition. Last evaluated: 2026-01-29. Review status: criteria provided, single submitter. Criteria: ACMG Guidelines, 2015. Collection method: clinical testing. Allele origin: germline.
Comment: This variant is classified as likely benign based on ACMG/AMP sequence variant interpretation guidelines (Richards et al. 2015 PMID: 25741868, with internal and published modifications).

Fulgent Genetics
Classification: Uncertain significance for Polycystic kidney disease, adult type. Last evaluated: 2024-01-31. Review status: criteria provided, single submitter. Criteria: ACMG Guidelines, 2015. Collection method: clinical testing. Allele origin: germline.

Department of Pathology and Laboratory Medicine, Sinai Health System
Classification: Uncertain significance for Polycystic Kidney disease. Review status: no assertion criteria provided. Collection method: clinical testing. Allele origin: unknown. Affected: yes. Study: The Canadian Open Genetics Repository (COGR). Not counted in ClinVar's aggregate classification.
Comment: PKD1, EXON29, c.9885C>T, p.Asn3295=, Heterozygous, Uncertain Significance The PKD1 p.Asn3295= variant was not identified in the literature nor was it identified in the ClinVar, LOVD 3.0, ADPKD Mutation Database or in the PKD1-LOVD database. The variant was identified in dbSNP (ID: rs764028566) as "NA". It was also identified in control databases in 1 of 30918 chromosomes at a frequency of 0.00003 (Genome Aggregation Database Feb 27, 2017). The variant was observed in the European population in 1 of 14972 chromosomes (freq: 0.00007), but not in the African, Other, Latino, Ashkenazi Jewish, East Asian, Finnish and South Asian populations. The p.Asn3295= variant is not expected to have clinical significance because it does not result in a change of amino acid and is not located in a known consensus splice site. In addition, in silico or computational prediction software programs (SpliceSiteFinder, MaxEntScan, NNSPLICE, GeneSplicer, HumanSpliceFinder) do not predict a difference in splicing. In summary, based on the above information the clinical significance of this variant cannot be determined with certainty at this time. This variant is classified as a variant of uncertain significance. Assessment Date: 2019/07/08